The following is an entry in ClinVar:

ClinVar aggregate classification (germline): Uncertain significance. Review status: criteria provided, multiple submitters, no conflicts (2 of 4 stars). 4 submissions from 4 submitters: Uncertain significance (4). Last evaluated 2025-10-12.

Conditions:
Hereditary cancer-predisposing syndrome. Also called: Neoplastic Syndromes, Hereditary; Tumor predisposition; Hereditary Cancer Syndrome; Hereditary neoplastic syndrome. Identifiers: Orphanet 140162, MedGen C0027672, MeSH D009386, MONDO:0015356.
Familial cancer of breast. Also called: BREAST CANCER, FAMILIAL; Hereditary breast cancer; hereditary breast carcinoma. Identifiers: Orphanet 227535, MedGen C0346153, MONDO:0016419, OMIM 114480. Disease mechanism: loss of function.

Allele frequency attached by ClinVar (database versions not stated): gnomAD exomes below 0.00001; TOPMed below 0.00001; gnomAD 0.00001.
gnomAD v4.1: 2 of 1,576,126 alleles (0.00013%); highest among the groups gnomAD compares: Non-Finnish European, 0.00017%; no homozygotes.

Submissions (4):

Labcorp Genetics (formerly Invitae), Labcorp
Classification: Uncertain significance for Familial cancer of breast. Last evaluated: 2025-10-12. Review status: criteria provided, single submitter. Criteria: Invitae Variant Classification Sherloc (09022015). Collection method: clinical testing. Allele origin: germline.
Comment: This sequence change replaces phenylalanine, which is neutral and non-polar, with tyrosine, which is neutral and polar, at codon 242 of the BARD1 protein (p.Phe242Tyr). This variant is present in population databases (no rsID available, gnomAD 0.001%). This variant has not been reported in the literature in individuals affected with BARD1-related conditions. ClinVar contains an entry for this variant (Variation ID: 482840). An algorithm developed to predict the effect of missense changes on protein structure and function (PolyPhen-2) suggests that this variant is likely to be disruptive. In summary, the available evidence is currently insufficient to determine the role of this variant in disease. Therefore, it has been classified as a Variant of Uncertain Significance.

Ambry Genetics
Classification: Uncertain significance for Hereditary cancer-predisposing syndrome. Last evaluated: 2025-06-20. Review status: criteria provided, single submitter. Criteria: Ambry Variant Classification Scheme 2023. Collection method: clinical testing. Allele origin: germline.
Comment: The p.F242Y variant (also known as c.725T>A), located in coding exon 4 of the BARD1 gene, results from a T to A substitution at nucleotide position 725. The phenylalanine at codon 242 is replaced by tyrosine, an amino acid with highly similar properties. This amino acid position is not well conserved in available vertebrate species. In addition, this alteration is predicted to be tolerated by in silico analysis. Since supporting evidence is limited at this time, the clinical significance of this alteration remains unclear.

Color Diagnostics, LLC DBA Color Health
Classification: Uncertain significance for Hereditary cancer-predisposing syndrome. Last evaluated: 2025-03-24. Review status: criteria provided, single submitter. Criteria: ACMG Guidelines, 2015. Collection method: clinical testing. Allele origin: germline.
Comment: This missense variant replaces phenylalanine with tyrosine at codon 242 of the BARD1 protein. Computational prediction suggests that this variant may not impact protein structure and function (internally defined REVEL score threshold <= 0.5, PMID: 27666373). To our knowledge, functional studies have not been reported for this variant. This variant has not been reported in individuals affected with BARD1-related disorders in the literature. This variant has been identified in 1/217092 chromosomes in the general population by the Genome Aggregation Database (gnomAD). The available evidence is insufficient to determine the role of this variant in disease conclusively. Therefore, this variant is classified as a Variant of Uncertain Significance.

Sema4
Classification: Uncertain significance for Hereditary cancer-predisposing syndrome. Last evaluated: 2022-02-08. Review status: criteria provided, single submitter. Criteria: Sema4 Curation Guidelines. Collection method: curation. Allele origin: germline.
Comment: The BARD1 c.725T>A (p.F242Y) variant has not been reported in the literature to our knowledge. This variant was observed in 1/102906 chromosomes in the Non-Finnish European population according to the Genome Aggregation Database (PMID: 32461654). The variant has been reported in ClinVar (Variation ID: 482840). Functional studies have not been performed, and in silico predictions of the variant's effect on protein function are inconclusive. The evidence is insufficient to meet ACMG/AMP criteria for classifying the variant as benign or pathogenic. Thus, the clinical significance of this variant is currently uncertain.

NM_000465.4(BARD1):c.725T>A (p.Phe242Tyr)

Gene: BARD1 (BRCA1 associated RING domain 1; minus strand). Cytogenetic location: 2q35.
Variant type: single nucleotide variant.
Coding change: c.725T>A on transcript NM_000465.4 (MANE Select); coding-DNA position 725, T replaced by A.
Protein change: p.Phe242Tyr; replaces phenylalanine 242 with tyrosine.
Molecular consequence: missense variant. On other transcripts: non-coding transcript variant (2), intron variant (3).
Genome position (GRCh38, 1-based): chr2:214,781,149, A>T on the plus strand (T>A on the coding strand, the complement: BARD1 is on the minus strand). VCF-style: chr2-214781149-A-T. GRCh37 (hg19) VCF-style: chr2-215645873-A-T.
Other names: c.668T>A, p.Phe223Tyr (NM_001282543.2); c.158+28263T>A (NM_001282548.2); c.215+15912T>A (NM_001282545.2); c.364+11148T>A (NM_001282549.2); short protein forms F242Y, F223Y.
Identifiers: ClinVar variation 482840 (VCV000482840.19), dbSNP rs1354702896, ClinGen allele CA350456238.
Genomic context (GRCh38, chr2:214,781,149, plus strand): 5'-GCTAGTAAGTCTATTTCACCATTTATCTGAGGACTGGAGATAACAGATGGTTGGCTACAG[A>T]AGGATACCAGCTTTTGCTTAGATTCCTCTTTGGAGTCAAATTCACCATCTTCTTTTTCTG-3'
Protein context (NP_000456.2, residues 232-252): KEESKQKLVS[Phe242Tyr]CSQPSVISSP